The following is an entry in ClinVar:

ClinVar aggregate classification (germline): Likely pathogenic (1 of 4 stars; one submission).

Conditions:
Autosomal dominant nonsyndromic hearing loss 15 (DFNA15). Also called: DEAFNESS, AUTOSOMAL DOMINANT 52; Autosomal dominant nonsyndromic hearing loss 52. Identifiers: Orphanet 90635, MedGen C1865366, MONDO:0011226, OMIM 602459.

Submission:

Institute of Rare Diseases, West China Hospital, Sichuan University
Classification: Likely pathogenic for Autosomal dominant nonsyndromic hearing loss 15. Last evaluated: 2025-01-09. Review status: criteria provided, single submitter. Criteria: ClinGen HL ACMG Specifications v1. Collection method: research. Allele origin: germline. Affected: yes.
Comment: PVS1;PM2_Supporting

NM_002700.3(POU4F3):c.130_136del (p.Asn44fs)

Genes: RBM27-POU4F3 (RBM27-POU4F3 readthrough; plus strand), POU4F3 (POU class 4 homeobox 3; plus strand). Cytogenetic location: 5q32.
Variant type: Deletion.
Coding change: c.130_136del on transcript NM_002700.3 (MANE Select); coding-DNA positions 130 to 136, 7 bases deleted (AATATAT; older notation c.130_136delAATATAT).
Protein change: p.Asn44fs; shifts the reading frame from asparagine 44.
Molecular consequence: frameshift variant. On other transcripts: stop lost (1).
Genome position (GRCh38, 1-based): chr5:146,339,557-146,339,563, AATATAT deleted; deleting any 7 consecutive bases within chr5:146,339,556-146,339,563 gives the same sequence; the c. name uses the placement nearest the transcript's 3' end. VCF-style (leftmost placement, unchanged base first): chr5-146339555-GTAATATA-G. GRCh37 (hg19) VCF-style: chr5-145719118-GTAATATA-G.
Other names: c.2963_*5del, p.Ter988PheextTer? (NM_001414499.1); short protein forms N44fs.
Identifiers: ClinVar variation 3601691 (VCV003601691.1).